The following is an entry in ClinVar:

ClinVar aggregate classification (germline): Uncertain significance (1 of 4 stars; one submission).

Submission:

GeneDx
Classification: Uncertain significance. Last evaluated: 2022-07-20. Review status: criteria provided, single submitter. Criteria: GeneDx Variant Classification Process June 2021. Collection method: clinical testing. Allele origin: germline. Affected: yes.
Comment: Not observed at significant frequency in large population cohorts (gnomAD); In silico analysis supports that this missense variant does not alter protein structure/function; Has not been previously published as pathogenic or benign to our knowledge

NM_003718.5(CDK13):c.1867G>A (p.Asp623Asn)

Gene: CDK13 (cyclin dependent kinase 13; plus strand). Cytogenetic location: 7p14.1.
Variant type: single nucleotide variant.
Coding change: c.1867G>A on transcript NM_003718.5 (MANE Select); coding-DNA position 1867, G replaced by A.
Protein change: p.Asp623Asn; replaces aspartic acid 623 with asparagine.
Molecular consequence: missense variant.
Genome position (GRCh38, 1-based): chr7:39,988,254, G>A. VCF-style: chr7-39988254-G-A. GRCh37 (hg19) VCF-style: chr7-40027853-G-A.
Other names: c.1867G>A, p.Asp623Asn (NM_031267.4); short protein forms D623N.
Identifiers: ClinVar variation 2136056 (VCV002136056.1), dbSNP rs2116269856, ClinGen allele CA367285111.
Genomic context (GRCh38, chr7:39,988,254, plus strand): 5'-GTCACCTCTACATTACCACCGTTACCTTTGCCTCCCATGCTGCCTGAAGATAAAGAAGCT[G>A]ATAGGTAAGTGCAAAAAGTATTTGTCAATAACTGTTCAAAGAAAAAATGTAAGTCTGAAG-3'
Protein context (NP_003709.3, residues 613-633): PPMLPEDKEA[Asp623Asn]SLRGNISVKA